The following is an entry in ClinVar:

ClinVar aggregate classification (germline): Likely benign. Review status: criteria provided, single submitter (1 of 4 stars). 2 submissions from 1 submitter: Likely benign (2). Last evaluated 2026-04-06.

Conditions:
Intellectual developmental disorder, autosomal dominant 6, with or without seizures. Also called: Intellectual disability, autosomal dominant 6; GRIN2B-related developmental delay, intellectual disability and autism spectrum disorder. Identifiers: Orphanet 589547, MedGen C3151411, MONDO:0013509, OMIM 613970.
Developmental and epileptic encephalopathy, 27 (DEE27). Also called: Epileptic encephalopathy, early infantile, 27; GRIN2B-Related Neurodevelopmental Disorder. Identifiers: Orphanet 3451, MedGen C4015316, MONDO:0014505, OMIM 616139.

Submissions (2):

Centre for Medical Genetics,  Mumbai
Classification: Likely benign for Developmental and epileptic encephalopathy, 27. Last evaluated: 2026-04-06. Review status: criteria provided, single submitter. Criteria: ACMG Guidelines, 2015. Collection method: provider interpretation. Allele origin: germline. Inheritance: Autosomal dominant inheritance. Affected: no. Observed: 1 variant allele, 1 heterozygote.
Comment: The variant satisfies PM2 criteria; Extremely low frequency in gnomAD population databases. The variant satisfies PP2 criteria; Missense variant in a gene with low rate of benign missense mutations and for which missense mutation is a common mechanism of a disease. The variant satisfies BP4 criteria; For a missense or a splice region variant, computational prediction tools unanimously support a benign effect on the gene. However, the variant satisfies BS2 criteria.

Centre for Medical Genetics,  Mumbai
Classification: Likely benign for Intellectual developmental disorder, autosomal dominant 6, with or without seizures. Last evaluated: 2023-09-21. Review status: criteria provided, single submitter. Criteria: ACMG Guidelines, 2015. Collection method: provider interpretation. Allele origin: germline. Inheritance: Autosomal dominant inheritance. Affected: no. Observed: 1 variant allele, 1 heterozygote.
Comment: The variant satisfies PM2 criteria; Extremely low frequency in gnomAD population databases. The variant satisfies PP2 criteria; Missense variant in a gene with low rate of benign missense mutations and for which missense mutation is a common mechanism of a disease. The variant satisfies BP4 criteria; For a missense or a splice region variant, computational prediction tools unanimously support a benign effect on the gene. However, the variant satisfies BS2 criteria.

Literature cited by the submitters: PubMed 24272827; PubMed 20890276.

NM_000834.5(GRIN2B):c.4030G>T (p.Ala1344Ser)

Gene: GRIN2B (glutamate ionotropic receptor NMDA type subunit 2B; minus strand). Cytogenetic location: 12p13.1.
Variant type: single nucleotide variant.
Coding change: c.4030G>T on transcript NM_000834.5 (MANE Select); coding-DNA position 4030, G replaced by T.
Protein change: p.Ala1344Ser; replaces alanine 1344 with serine.
Molecular consequence: missense variant.
Genome position (GRCh38, 1-based): chr12:13,563,208, C>A on the plus strand (G>T on the coding strand, the complement: GRIN2B is on the minus strand). VCF-style: chr12-13563208-C-A. GRCh37 (hg19) VCF-style: chr12-13716142-C-A.
Other names: c.4030G>T, p.Ala1344Ser (NM_001413992.1); short protein forms A1344S.
Identifiers: ClinVar variation 4819093 (VCV004819093.1).